The following is an entry in ClinVar:

NM_001033855.3(DCLRE1C):c.*878C>T

Gene: DCLRE1C (DNA cross-link repair 1C; minus strand). Cytogenetic location: 10p13.
Variant type: single nucleotide variant.
Coding change: c.*878C>T on transcript NM_001033855.3 (MANE Select); 878 bases downstream of the stop codon, C replaced by T.
Molecular consequence: 3 prime UTR variant. On other transcripts: non-coding transcript variant (3), intron variant (3).
Genome position (GRCh38, 1-based): chr10:14,907,530, G>A on the plus strand (C>T on the coding strand, the complement: DCLRE1C is on the minus strand). VCF-style: chr10-14907530-G-A. GRCh37 (hg19) VCF-style: chr10-14949529-G-A.
Other names: c.*878C>T (NM_001033857.3, NM_001033858.3, NM_001289076.2 and 4 more transcripts); c.1437+1175C>T (NM_001350966.2); c.1782+1175C>T (NM_001350965.2); c.1422+1175C>T (NM_001350967.2).
Identifiers: ClinVar variation 299284 (VCV000299284.5), dbSNP rs575242970, ClinGen allele CA10634956.

ClinVar aggregate classification (germline): Likely benign (1 of 4 stars; one submission).

Conditions:
Histiocytic medullary reticulosis. Also called: SEVERE COMBINED IMMUNODEFICIENCY WITH HYPEREOSINOPHILIA; Omenn syndrome. Identifiers: Orphanet 39041, MedGen C2700553, MONDO:0011338, OMIM 603554.

Allele frequency attached by ClinVar (database versions not stated): TOPMed 0.00008; 1000 Genomes Project 30x 0.00078; 1000 Genomes Project 0.00080.
gnomAD v4.1: 15 of 152,084 alleles (0.0099%); highest among the groups gnomAD compares: East Asian, 0.29%; no homozygotes.

Submission:

Illumina Laboratory Services, Illumina
Classification: Likely benign for Histiocytic medullary reticulosis. Last evaluated: 2018-01-13. Review status: criteria provided, single submitter. Criteria: ICSL Variant Classification Criteria 13 December 2019. Collection method: clinical testing. Allele origin: germline.
Comment: This variant was observed in the ICSL laboratory as part of a predisposition screen in an ostensibly healthy population. It had not been previously curated by ICSL or reported in the Human Gene Mutation Database (HGMD: prior to June 1st, 2018), and was therefore a candidate for classification through an automated scoring system. Utilizing variant allele frequency, disease prevalence and penetrance estimates, and inheritance mode, an automated score was calculated to assess if this variant is too frequent to cause the disease. Based on the score and internal cut-off values, a variant classified as likely benign is not then subjected to further curation. The score for this variant resulted in a classification of likely benign for this disease.